The following is an entry in ClinVar:

NM_001267550.2(TTN):c.41362G>A (p.Glu13788Lys)

Gene: TTN (titin; minus strand). Cytogenetic location: 2q31.2.
Variant type: single nucleotide variant.
Coding change: c.41362G>A on transcript NM_001267550.2 (MANE Select); coding-DNA position 41362, G replaced by A.
Protein change: p.Glu13788Lys; replaces glutamic acid 13788 with lysine.
Molecular consequence: missense variant.
Genome position (GRCh38, 1-based): chr2:178,636,209, C>T on the plus strand (G>A on the coding strand, the complement: TTN is on the minus strand). VCF-style: chr2-178636209-C-T. GRCh37 (hg19) VCF-style: chr2-179500936-C-T.
Other names: c.36439G>A, p.Glu12147Lys (NM_001256850.1); c.14167G>A, p.Glu4723Lys (NM_003319.4); c.33658G>A, p.Glu11220Lys (NM_133378.4); c.14542G>A, p.Glu4848Lys (NM_133432.3); c.14743G>A, p.Glu4915Lys (NM_133437.4); short protein forms E11220K, E12147K, E13788K, E4723K, E4848K, E4915K.
Identifiers: ClinVar variation 3902259 (VCV003902259.1).

ClinVar aggregate classification (germline): Uncertain significance (1 of 4 stars; one submission).

Submission:

Women's Health and Genetics/Laboratory Corporation of America, LabCorp
Classification: Uncertain significance. Last evaluated: 2025-05-13. Review status: criteria provided, single submitter. Criteria: LabCorp Variant Classification Summary - May 2015. Collection method: clinical testing. Allele origin: germline.
Comment: Variant summary: TTN c.33658G>A (p.Glu11220Lys) results in a conservative amino acid change in the encoded protein sequence. Algorithms developed to predict the effect of missense changes on protein structure and function are either unavailable or do not agree on the potential impact of this missense change. The frequency data for this variant in gnomAD is considered unreliable, as metrics indicate poor data quality at this position. To our knowledge, no occurrence of c.33658G>A in individuals affected with Autosomal Recessive Titinopathy and no experimental evidence demonstrating its impact on protein function have been reported. No submitters have cited clinical-significance assessments for this variant to ClinVar. Based on the evidence outlined above, the variant was classified as uncertain significance.